The following is an entry in ClinVar:

ClinVar aggregate classification (germline): Uncertain significance. Review status: criteria provided, multiple submitters, no conflicts (2 of 4 stars). 2 submissions from 2 submitters: Uncertain significance (2). Last evaluated 2024-12-31.

Allele frequency attached by ClinVar (database versions not stated): ExAC 0.00004; gnomAD exomes 0.00006 and 0.00023; TOPMed 0.00006; gnomAD 0.00007 and 0.00008; ESP Exome Variant Server 0.00008.

Submissions (2):

Labcorp Genetics (formerly Invitae), Labcorp
Classification: Uncertain significance. Last evaluated: 2024-12-31. Review status: criteria provided, single submitter. Criteria: Invitae Variant Classification Sherloc (09022015). Collection method: clinical testing. Allele origin: germline.
Comment: This sequence change replaces valine, which is neutral and non-polar, with methionine, which is neutral and non-polar, at codon 76 of the DTNBP1 protein (p.Val76Met). This variant is present in population databases (rs373060790, gnomAD 0.01%). This variant has not been reported in the literature in individuals affected with DTNBP1-related conditions. ClinVar contains an entry for this variant (Variation ID: 1415098). Invitae Evidence Modeling of protein sequence and biophysical properties (such as structural, functional, and spatial information, amino acid conservation, physicochemical variation, residue mobility, and thermodynamic stability) has been performed for this missense variant. However, the output from this modeling did not meet the statistical confidence thresholds required to predict the impact of this variant on DTNBP1 protein function. In summary, the available evidence is currently insufficient to determine the role of this variant in disease. Therefore, it has been classified as a Variant of Uncertain Significance.

Blueprint Genetics
Classification: Uncertain significance. Last evaluated: 2021-12-01. Review status: criteria provided, single submitter. Criteria: ACMG Guidelines, 2015. Collection method: clinical testing. Allele origin: germline.

NM_032122.5(DTNBP1):c.226G>A (p.Val76Met)

Gene: DTNBP1 (dystrobrevin binding protein 1; minus strand). Cytogenetic location: 6p22.3.
Variant type: single nucleotide variant.
Coding change: c.226G>A on transcript NM_032122.5 (MANE Select); coding-DNA position 226, G replaced by A.
Protein change: p.Val76Met; replaces valine 76 with methionine.
Molecular consequence: missense variant. On other transcripts: 5 prime UTR variant (1), non-coding transcript variant (1).
Genome position (GRCh38, 1-based): chr6:15,627,472, C>T on the plus strand (G>A on the coding strand, the complement: DTNBP1 is on the minus strand). VCF-style: chr6-15627472-C-T. GRCh37 (hg19) VCF-style: chr6-15627703-C-T.
Other names: c.-18G>A (NM_001271667.2); c.175G>A, p.Val59Met (NM_001271668.2); c.121G>A, p.Val41Met (NM_001271669.2); c.226G>A, p.Val76Met (NM_183040.2); short protein forms V41M, V76M, V59M.
Identifiers: ClinVar variation 1415098 (VCV001415098.5), dbSNP rs373060790, ClinGen allele CA3644190.